The following is an entry in ClinVar:

NM_004408.4(DNM1):c.1076G>A (p.Gly359Glu)

Gene: DNM1 (dynamin 1; plus strand). Cytogenetic location: 9q34.11.
Variant type: single nucleotide variant.
Coding change: c.1076G>A on transcript NM_004408.4 (MANE Select); coding-DNA position 1076, G replaced by A.
Protein change: p.Gly359Glu; replaces glycine 359 with glutamic acid.
Molecular consequence: missense variant.
Genome position (GRCh38, 1-based): chr9:128,222,544, G>A. VCF-style: chr9-128222544-G-A. GRCh37 (hg19) VCF-style: chr9-130984823-G-A.
Other names: c.1076G>A, p.Gly359Glu (NM_001005336.3, NM_001288737.2, NM_001288738.2 and 2 more transcripts); short protein forms G359E.
Identifiers: ClinVar variation 2431369 (VCV002431369.1), dbSNP rs587777862, ClinGen allele CA375016265.

ClinVar aggregate classification (germline): Likely pathogenic (1 of 4 stars; one submission).

Conditions:
Developmental and epileptic encephalopathy, 31A. Also called: Developmental and epileptic encephalopathy, 31; Epileptic encephalopathy, early infantile, 31. Identifiers: Orphanet 2382, MedGen C4225357, MONDO:0014598, OMIM 616346.

Submission:

Laboratorio de Genetica e Diagnostico Molecular, Hospital Israelita Albert Einstein
Classification: Likely pathogenic for Developmental and epileptic encephalopathy, 31A. Last evaluated: 2022-08-12. Review status: criteria provided, single submitter. Criteria: ACMG Guidelines, 2015. Collection method: clinical testing. Allele origin: germline. Affected: yes. Observed: 1 variant allele.
Comment: ACMG classification criteria: PM2 moderated, PM5 moderated, PP2 supporting, PP3 supporting